The following is an entry in ClinVar:

NM_001101426.4(CRPPA):c.789+9G>A

Gene: CRPPA (CDP-L-ribitol pyrophosphorylase A; minus strand). Cytogenetic location: 7p21.2.
Variant type: single nucleotide variant.
Coding change: c.789+9G>A on transcript NM_001101426.4 (MANE Select); 9 bases into the intron after coding-DNA position 789, G replaced by A.
Molecular consequence: intron variant.
Genome position (GRCh38, 1-based): chr7:16,308,514, C>T on the plus strand (G>A on the coding strand, the complement: CRPPA is on the minus strand). VCF-style: chr7-16308514-C-T. GRCh37 (hg19) VCF-style: chr7-16348139-C-T.
Other names: c.639+9G>A (NM_001101417.4); c.685-7048G>A (NM_001368197.1); c.789+9G>A (NM_001101426.3).
Identifiers: ClinVar variation 289095 (VCV000289095.15), dbSNP rs375132134, ClinGen allele CA4169505.
Genomic context (GRCh38, chr7:16,308,514, plus strand): 5'-TTAAATGTACACACACGCAAACACATGAAAGCACAGAAAAGAACCCAAGCAAGGTATCAT[C>T]CCTCTTACCTTCCAGAGGTCAGGTGATCCTTCTACAAGTTTGGCTTTAGTGCAACAGTAT-3'

ClinVar aggregate classification (germline): Conflicting classifications of pathogenicity. Review status: criteria provided, conflicting classifications (1 of 4 stars). 4 submissions from 4 submitters: Uncertain significance (1); Likely benign (2). 1 of the submissions does not count toward it. Last evaluated 2023-10-16.

Conditions:
CRPPA-related disorder.
Autosomal recessive limb-girdle muscular dystrophy type 2U. Also called: Muscular dystrophy-dystroglycanopathy (limb-girdle), type c, 7; MUSCULAR DYSTROPHY, LIMB-GIRDLE, TYPE 2U. Identifiers: Orphanet 352479, MedGen C5190987, MONDO:0014474, OMIM 616052.
Muscular dystrophy-dystroglycanopathy (congenital with brain and eye anomalies), type A, 7. Also called: WALKER-WARBURG SYNDROME OR MUSCLE-EYE-BRAIN DISEASE, ISPD-RELATED; Congenital muscular dystrophy-dystroglycanopathy with brain and eye anomalies, type A7. Identifiers: Orphanet 899, MedGen C3553330, MONDO:0013835, OMIM 614643.

Allele frequency attached by ClinVar (database versions not stated): gnomAD 0.00003 and 0.00004; TOPMed 0.00004; ESP Exome Variant Server 0.00008.
gnomAD v4.1: 44 of 1,481,970 alleles (0.003%); highest among the groups gnomAD compares: Non-Finnish European, 0.0039%; no homozygotes.

Submissions (4):

Labcorp Genetics (formerly Invitae), Labcorp
Classification: Likely benign for Muscular dystrophy-dystroglycanopathy (congenital with brain and eye anomalies), type A, 7; Autosomal recessive limb-girdle muscular dystrophy type 2U. Last evaluated: 2023-10-16. Review status: criteria provided, single submitter. Criteria: Invitae Variant Classification Sherloc (09022015). Collection method: clinical testing. Allele origin: germline.

Blueprint Genetics
Classification: Likely benign. Last evaluated: 2022-08-25. Review status: criteria provided, single submitter. Criteria: ACMG Guidelines, 2015. Collection method: clinical testing. Allele origin: germline.

Eurofins Ntd Llc (ga)
Classification: Uncertain significance. Last evaluated: 2016-07-08. Review status: criteria provided, single submitter. Criteria: EGL Classification Definitions 2015. Collection method: clinical testing. Allele origin: germline. Observed: 1 variant allele, 1 heterozygote.

PreventionGenetics, part of Exact Sciences
Classification: Likely benign for CRPPA-related condition. Last evaluated: 2020-10-19. Review status: no assertion criteria provided. Collection method: clinical testing. Allele origin: germline. Not counted in ClinVar's aggregate classification.
Comment: This variant is classified as likely benign based on ACMG/AMP sequence variant interpretation guidelines (Richards et al. 2015 PMID: 25741868, with internal and published modifications).